The following is an entry in ClinVar:

NM_000059.4(BRCA2):c.5352C>A (p.Asn1784Lys)

Gene: BRCA2 (BRCA2 DNA repair associated; plus strand). Cytogenetic location: 13q13.1.
Variant type: single nucleotide variant.
Coding change: c.5352C>A on transcript NM_000059.4 (MANE Select); coding-DNA position 5352, C replaced by A.
Protein change: p.Asn1784Lys; replaces asparagine 1784 with lysine.
Molecular consequence: missense variant.
Genome position (GRCh38, 1-based): chr13:32,339,707, C>A. VCF-style: chr13-32339707-C-A. GRCh37 (hg19) VCF-style: chr13-32913844-C-A.
Other names: short protein forms N1784K.
Identifiers: ClinVar variation 950402 (VCV000950402.14), dbSNP rs1555284187, ClinGen allele CA387785047.
Genomic context (GRCh38, chr13:32,339,707, plus strand): 5'-AAAAAATAAACTTGATTCTGGTATTGAGCCAGTATTGAAGAATGTTGAAGATCAAAAAAA[C>A]ACTAGTTTTTCCAAAGTAATATCCAATGTAAAAGATGCAAATGCATACCCACAAACTGTA-3'
Protein context (NP_000050.3, residues 1774-1794): PVLKNVEDQK[Asn1784Lys]TSFSKVISNV

ClinVar aggregate classification (germline): Conflicting classifications of pathogenicity. Review status: criteria provided, conflicting classifications (1 of 4 stars). 6 submissions from 6 submitters: Uncertain significance (4); Benign (1); Likely benign (1). Last evaluated 2026-08-06.

Conditions:
Familial prostate cancer. Also called: Hereditary Prostate Cancer. Identifiers: MedGen C2931456, MONDO:0700275, OMIM 176807.
Hereditary breast ovarian cancer syndrome. Also called: Hereditary breast and ovarian cancer syndrome; Hereditary breast and ovarian cancer syndrome (HBOC); Hereditary breast and/or ovarian cancer syndrome; Hereditary breast and ovarian cancer; BRCA1- and BRCA2-Associated Hereditary Breast and Ovarian Cancer; Breast and ovarian cancer. Identifiers: Orphanet 145, MedGen C0677776, MeSH D061325, MONDO:0003582. Disease mechanism: loss of function.
Hereditary cancer-predisposing syndrome. Also called: Neoplastic Syndromes, Hereditary; Hereditary neoplastic syndrome; Tumor predisposition; Hereditary Cancer Syndrome. Identifiers: Orphanet 140162, MedGen C0027672, MeSH D009386, MONDO:0015356.

gnomAD v4.1: 1 of 1,613,246 alleles (0.000062%); no homozygotes.

Submissions (6):

OLLIN Analises Genomicas, OLLIN
Classification: Uncertain significance for Familial prostate cancer. Last evaluated: 2026-08-06. Review status: criteria provided, single submitter. Criteria: ACMG Guidelines 2015 PMID 25741868. Collection method: clinical testing. Allele origin: germline. Inheritance: Autosomal recessive inheritance.
Comment: This missense variant, located in exon 11 (of 27), has been reported in ClinVar (accession VCV000531473.10) and in gnomAD with an allele frequency of 0.000062%. However, to our knowledge, it has not been reported in the scientific literature. In silico analysis is inconclusive regarding the impact of this variant. This gene has high tolerance to missense variation. According to the currently available evidence, this variant has been classified as uncertain significance (PM2_P, BP1_S).

Quest Diagnostics Nichols Institute San Juan Capistrano
Classification: Uncertain significance. Last evaluated: 2025-03-11. Review status: criteria provided, single submitter. Criteria: Quest Diagnostics criteria. Collection method: clinical testing. Allele origin: unknown.
Comment: The BRCA2 c.5352C>A (p.Asn1784Lys) variant has been reported in the published literature in individuals with breast cancer (PMID: 25682074 (2015)) and ovarian cancer (PMID: 36900320 (2023)). This variant has also been described to be located in a region of the BRCA2 gene that is tolerant to missense sequence changes (PMID: 31911673 (2020)). This variant has not been reported in large, multi-ethnic general populations (Genome Aggregation Database). Analysis of this variant using bioinformatics tools for the prediction of the effect of amino acid changes on protein structure and function yielded predictions that this variant is benign. Based on the available information, we are unable to determine the clinical significance of this variant.

Labcorp Genetics (formerly Invitae), Labcorp
Classification: Uncertain significance for Hereditary breast ovarian cancer syndrome. Last evaluated: 2024-08-27. Review status: criteria provided, single submitter. Criteria: Invitae Variant Classification Sherloc (09022015). Collection method: clinical testing. Allele origin: germline.
Comment: This sequence change replaces asparagine, which is neutral and polar, with lysine, which is basic and polar, at codon 1784 of the BRCA2 protein (p.Asn1784Lys). This variant is not present in population databases (gnomAD no frequency). This missense change has been observed in individual(s) with BRCA2-related conditions (PMID: 21520333). ClinVar contains an entry for this variant (Variation ID: 950402). Invitae Evidence Modeling of protein sequence and biophysical properties (such as structural, functional, and spatial information, amino acid conservation, physicochemical variation, residue mobility, and thermodynamic stability) indicates that this missense variant is not expected to disrupt BRCA2 protein function with a negative predictive value of 95%. In summary, the available evidence is currently insufficient to determine the role of this variant in disease. Therefore, it has been classified as a Variant of Uncertain Significance.

Ambry Genetics
Classification: Uncertain significance for Hereditary cancer-predisposing syndrome. Last evaluated: 2023-09-02. Review status: criteria provided, single submitter. Criteria: Ambry Variant Classification Scheme 2023. Collection method: clinical testing. Allele origin: germline.
Comment: The p.N1784K variant (also known as c.5352C>A), located in coding exon 10 of the BRCA2 gene, results from a C to A substitution at nucleotide position 5352. The asparagine at codon 1784 is replaced by lysine, an amino acid with similar properties. This amino acid position is not well conserved in available vertebrate species. In addition, this alteration is predicted to be tolerated by in silico analysis. Since supporting evidence is limited at this time, the clinical significance of this alteration remains unclear.

University of Washington Department of Laboratory Medicine, University of Washington
Classification: Likely benign for Hereditary cancer-predisposing syndrome. Last evaluated: 2023-03-23. Review status: criteria provided, single submitter. Criteria: Dines et al. (Genet Med. 2020). Collection method: curation. Allele origin: germline.
Comment: Missense variant in a coldspot region where missense variants are very unlikely to be pathogenic (PMID:31911673).

BRCA2 exon 11 coldspot. Reclassification based on statistical prior probability.

Mendelics
Classification: Benign. Last evaluated: 2022-05-04. Review status: criteria provided, single submitter. Criteria: Mendelics Assertion Criteria 2019. Collection method: clinical testing. Allele origin: germline.

Literature cited by the submitters: PubMed 31911673 (cited by Quest Diagnostics Nichols Institute San Juan Capistrano); PubMed 36900320 (cited by Quest Diagnostics Nichols Institute San Juan Capistrano); PubMed 25682074 (cited by Quest Diagnostics Nichols Institute San Juan Capistrano); PubMed 21520333 (cited by Labcorp Genetics (formerly Invitae), Labcorp).